The following is an entry in ClinVar:

ClinVar aggregate classification (germline): Benign/Likely benign. Review status: criteria provided, multiple submitters, no conflicts (2 of 4 stars). 3 submissions from 3 submitters: Benign (2); Likely benign (1). Last evaluated 2026-01-26.

Conditions:
Hyaline fibromatosis syndrome (HFS). Also called: Hyalinosis, Inherited Systemic; HYALINOSIS, SYSTEMIC. Identifiers: Orphanet 2028, Orphanet 498474, MedGen C5574677, MONDO:0009229, OMIM 228600.

Allele frequency attached by ClinVar (database versions not stated): gnomAD exomes 0.00211 and 0.00075; ExAC 0.00277; ESP Exome Variant Server 0.00920; gnomAD 0.00953 and 0.01026; 1000 Genomes Project 30x 0.01062; TOPMed 0.01092; 1000 Genomes Project 0.01178.
gnomAD v4.1: 2,583 of 1,587,854 alleles (0.16%); highest among the groups gnomAD compares: African/African-American, 3.1%; 40 homozygotes.

Submissions (3):

Labcorp Genetics (formerly Invitae), Labcorp
Classification: Benign. Last evaluated: 2026-01-26. Review status: criteria provided, single submitter. Criteria: Invitae Variant Classification Sherloc (09022015). Collection method: clinical testing. Allele origin: germline.

GeneDx
Classification: Likely benign. Last evaluated: 2020-04-03. Review status: criteria provided, single submitter. Criteria: GeneDx Variant Classification Process June 2021. Collection method: clinical testing. Allele origin: germline. Affected: yes.

Illumina Laboratory Services, Illumina
Classification: Benign for Hyaline fibromatosis syndrome. Last evaluated: 2018-01-13. Review status: criteria provided, single submitter. Criteria: ICSL Variant Classification Criteria 13 December 2019. Collection method: clinical testing. Allele origin: germline.
Comment: This variant was observed in the ICSL laboratory as part of a predisposition screen in an ostensibly healthy population. It had not been previously curated by ICSL or reported in the Human Gene Mutation Database (HGMD: prior to June 1st, 2018), and was therefore a candidate for classification through an automated scoring system. Utilizing variant allele frequency, disease prevalence and penetrance estimates, and inheritance mode, an automated score was calculated to assess if this variant is too frequent to cause the disease. Based on the score and internal cut-off values, a variant classified as benign is not then subjected to further curation. The score for this variant resulted in a classification of benign for this disease.

NM_058172.6(ANTXR2):c.796+9C>T

Gene: ANTXR2 (ANTXR cell adhesion molecule 2; minus strand). Cytogenetic location: 4q21.21.
Variant type: single nucleotide variant.
Coding change: c.796+9C>T on transcript NM_058172.6 (MANE Select); 9 bases into the intron after coding-DNA position 796, C replaced by T.
Molecular consequence: intron variant.
Genome position (GRCh38, 1-based): chr4:80,033,463, G>A on the plus strand (C>T on the coding strand, the complement: ANTXR2 is on the minus strand). VCF-style: chr4-80033463-G-A. GRCh37 (hg19) VCF-style: chr4-80954617-G-A.
Other names: c.565+9C>T (NM_001286780.2, NM_001286781.2); c.796+9C>T (NM_001145794.2).
Identifiers: ClinVar variation 349878 (VCV000349878.12), dbSNP rs113482034, ClinGen allele CA2981841.